The following is an entry in ClinVar:

NM_020822.3(KCNT1):c.218T>C (p.Leu73Pro)

Gene: KCNT1 (potassium sodium-activated channel subfamily T member 1; plus strand). Cytogenetic location: 9q34.3.
Variant type: single nucleotide variant.
Coding change: c.218T>C on transcript NM_020822.3 (MANE Select); coding-DNA position 218, T replaced by C.
Protein change: p.Leu73Pro; replaces leucine 73 with proline.
Molecular consequence: missense variant. On other transcripts: intron variant (1).
Genome position (GRCh38, 1-based): chr9:135,714,684, T>C. VCF-style: chr9-135714684-T-C. GRCh37 (hg19) VCF-style: chr9-138606530-T-C.
Other names: c.110+12316T>C (NM_001272003.2); short protein forms L73P.
Identifiers: ClinVar variation 449770 (VCV000449770.16), dbSNP rs748537758, ClinGen allele CA5326301.

ClinVar aggregate classification (germline): Uncertain significance. Review status: criteria provided, multiple submitters, no conflicts (2 of 4 stars). 5 submissions from 4 submitters: Uncertain significance (5). Last evaluated 2024-10-22.

Conditions:
Inborn genetic diseases. Identifiers: MedGen C0950123, MeSH D030342.
Autosomal dominant nocturnal frontal lobe epilepsy 5. Also called: KCNT1-Related Epilepsy; CILIARY DYSKINESIA, PRIMARY, 28, WITHOUT SITUS INVERSUS; CILIARY DYSKINESIA, PRIMARY, 28, WITH SITUS INVERSUS; Epilepsy, nocturnal frontal lobe, 5. Identifiers: Orphanet 98784, MedGen C3554306, MONDO:0014002, OMIM 615005.
Developmental and epileptic encephalopathy, 14 (DEE14). Also called: Early infantile epileptic encephalopathy 14. Identifiers: Orphanet 293181, MedGen C3554195, MONDO:0013989, OMIM 614959.

Allele frequency attached by ClinVar (database versions not stated): ExAC 0.00001; gnomAD 0.00001; gnomAD exomes 0.00001 and 0.00005; TOPMed 0.00002.
gnomAD v4.1: 70 of 1,475,712 alleles (0.0047%); highest among the groups gnomAD compares: Non-Finnish European, 0.0063%; no homozygotes.

Submissions (5):

Labcorp Genetics (formerly Invitae), Labcorp
Classification: Uncertain significance for Autosomal dominant nocturnal frontal lobe epilepsy 5; Developmental and epileptic encephalopathy, 14. Last evaluated: 2024-10-22. Review status: criteria provided, single submitter. Criteria: Invitae Variant Classification Sherloc (09022015). Collection method: clinical testing. Allele origin: germline.
Comment: This sequence change replaces leucine, which is neutral and non-polar, with proline, which is neutral and non-polar, at codon 73 of the KCNT1 protein (p.Leu73Pro). The frequency data for this variant in the population databases is considered unreliable, as metrics indicate poor data quality at this position in the gnomAD database. This variant has not been reported in the literature in individuals affected with KCNT1-related conditions. ClinVar contains an entry for this variant (Variation ID: 449770). Invitae Evidence Modeling of protein sequence and biophysical properties (such as structural, functional, and spatial information, amino acid conservation, physicochemical variation, residue mobility, and thermodynamic stability) indicates that this missense variant is not expected to disrupt KCNT1 protein function with a negative predictive value of 95%. In summary, the available evidence is currently insufficient to determine the role of this variant in disease. Therefore, it has been classified as a Variant of Uncertain Significance.

Genome-Nilou Lab
Classification: Uncertain significance for Developmental and epileptic encephalopathy, 14. Last evaluated: 2022-03-15. Review status: criteria provided, single submitter. Criteria: ACMG Guidelines, 2015. Collection method: clinical testing. Allele origin: germline. Affected: no.

Genome-Nilou Lab
Classification: Uncertain significance for Autosomal dominant nocturnal frontal lobe epilepsy 5. Last evaluated: 2022-03-15. Review status: criteria provided, single submitter. Criteria: ACMG Guidelines, 2015. Collection method: clinical testing. Allele origin: germline. Affected: no.

GeneDx
Classification: Uncertain significance. Last evaluated: 2018-10-15. Review status: criteria provided, single submitter. Criteria: GeneDx Variant Classification (06012015). Collection method: clinical testing. Allele origin: germline. Affected: yes.
Comment: A variant of uncertain significance has been identified in the KCNT1 gene. The L73P variant has not been published as a pathogenic variant, nor has it been reported as a benign variant to our knowledge. The L73P variant is a a semi-conservative amino acid substitution, which may impact secondary protein structure as these residues differ in some properties. This substitution occurs at a position that is conserved across species, and in silico analysis predicts this variant is probably damaging to the protein structure/function. The L73P variant is not observed in large population cohorts; however, this variant has been detected in two presumably healthy individuals tested at GeneDx (Lek et al., 2016; 1000 Genomes Consortium et al., 2015; Exome Variant Server). Based on the currently available information, it is unclear whether this variant is a pathogenic variant or a rare benign variant.

Ambry Genetics
Classification: Uncertain significance for Inborn genetic diseases. Last evaluated: 2017-03-24. Review status: criteria provided, single submitter. Criteria: Ambry Variant Classification Scheme 2023. Collection method: clinical testing. Allele origin: germline.
Comment: The p.L73P variant (also known as c.218T>C), located in coding exon 2 of the KCNT1 gene, results from a T to C substitution at nucleotide position 218. The leucine at codon 73 is replaced by proline, an amino acid with similar properties. This amino acid position is highly conserved in available vertebrate species. In addition, this alteration is predicted to be tolerated by in silico analysis. Since supporting evidence is limited at this time, the clinical significance of this alteration remains unclear.